The following is an entry in ClinVar:

NM_017875.4(SLC25A38):c.256C>T (p.Leu86Phe)

Gene: SLC25A38 (solute carrier family 25 member 38; plus strand). Cytogenetic location: 3p22.1.
Variant type: single nucleotide variant.
Coding change: c.256C>T on transcript NM_017875.4 (MANE Select); coding-DNA position 256, C replaced by T.
Protein change: p.Leu86Phe; replaces leucine 86 with phenylalanine.
Molecular consequence: missense variant.
Genome position (GRCh38, 1-based): chr3:39,390,487, C>T. VCF-style: chr3-39390487-C-T. GRCh37 (hg19) VCF-style: chr3-39431978-C-T.
Other names: c.256C>T, p.Leu86Phe (NM_001354798.2); short protein forms L86F.
Identifiers: ClinVar variation 5037502 (VCV005037502.1).
Genomic context (GRCh38, chr3:39,390,487, plus strand): 5'-AGACGTGTTGGGATGTTGGCTGTACTCTTGAAGGTGGTTCGCACGGAGAGTCTTTTGGGC[C>T]TTTGGAAAGGGATGTCCCCTGTAAGCTGCCATCTGGGTCTAGGTTCCCTAGCATCCACTC-3'
Protein context (NP_060345.2, residues 76-96): KVVRTESLLG[Leu86Phe]WKGMSPSIVR

ClinVar aggregate classification (germline): Uncertain significance (1 of 4 stars; one submission).

Submission:

GeneDx
Classification: Uncertain significance. Last evaluated: 2026-04-26. Review status: criteria provided, single submitter. Criteria: GeneDx Variant Classification Process June 2021. Collection method: clinical testing. Allele origin: germline.
Comment: Not observed at significant frequency in large population cohorts (gnomAD); In silico analysis supports that this missense variant has a deleterious effect on protein structure/function; Has not been previously published as pathogenic or benign to our knowledge